The following is an entry in ClinVar:

ClinVar aggregate classification (germline): Likely benign (0 of 4 stars; one submission).

Conditions:
PLXNA1-related disorder. Also called: PLXNA1-related condition.

gnomAD v4.1: 22 of 1,613,562 alleles (0.0014%); highest among the groups gnomAD compares: Admixed American, 0.0033%; no homozygotes.

Submission:

PreventionGenetics, part of Exact Sciences
Classification: Likely benign for PLXNA1-related condition. Last evaluated: 2022-11-17. Review status: no assertion criteria provided. Collection method: clinical testing. Allele origin: germline.
Comment: This variant is classified as likely benign based on ACMG/AMP sequence variant interpretation guidelines (Richards et al. 2015 PMID: 25741868, with internal and published modifications).

NM_032242.4(PLXNA1):c.678A>C (p.Ser226=)

Gene: PLXNA1 (plexin A1; plus strand). Cytogenetic location: 3q21.3.
Variant type: single nucleotide variant.
Coding change: c.678A>C on transcript NM_032242.4 (MANE Select); coding-DNA position 678, A replaced by C.
Protein change: p.Ser226=; no amino-acid change (serine 226 retained).
Molecular consequence: synonymous variant.
Genome position (GRCh38, 1-based): chr3:126,989,271, A>C. VCF-style: chr3-126989271-A-C. GRCh37 (hg19) VCF-style: chr3-126708114-A-C.
Identifiers: ClinVar variation 3353501 (VCV003353501.1).